The following is an entry in ClinVar:

ClinVar aggregate classification (germline): Benign/Likely benign. Review status: criteria provided, multiple submitters, no conflicts (2 of 4 stars). 3 submissions from 3 submitters: Benign (1); Likely benign (2). Last evaluated 2024-04-25.

Conditions:
Familial adenomatous polyposis 1 (FAP1). Also called: POLYPOSIS, ADENOMATOUS INTESTINAL; FAMILIAL ADENOMATOUS POLYPOSIS 1, ATTENUATED. Identifiers: MedGen C2713442, MONDO:0021056, OMIM 175100. Disease mechanism: loss of function.
Hereditary cancer-predisposing syndrome. Also called: Neoplastic Syndromes, Hereditary; Tumor predisposition; Hereditary neoplastic syndrome; Hereditary Cancer Syndrome. Identifiers: Orphanet 140162, MedGen C0027672, MeSH D009386, MONDO:0015356.

gnomAD v4.1: 2 of 1,614,088 alleles (0.00012%); highest among the groups gnomAD compares: Non-Finnish European, 0.00017%; no homozygotes.

Submissions (3):

Labcorp Genetics (formerly Invitae), Labcorp
Classification: Likely benign for Familial adenomatous polyposis 1. Last evaluated: 2024-04-25. Review status: criteria provided, single submitter. Criteria: Invitae Variant Classification Sherloc (09022015). Collection method: clinical testing. Allele origin: germline.

Myriad Genetics, Inc.
Classification: Benign for Familial adenomatous polyposis 1. Last evaluated: 2024-03-14. Review status: criteria provided, single submitter. Criteria: Myriad Autosomal Dominant, Autosomal Recessive and X-Linked Classification Criteria (2023). Collection method: clinical testing. Allele origin: unknown.
Comment: This variant is considered benign. This variant is a silent/synonymous amino acid change and it is not expected to impact splicing.

Ambry Genetics
Classification: Likely benign for Hereditary cancer-predisposing syndrome. Last evaluated: 2023-02-04. Review status: criteria provided, single submitter. Criteria: Ambry Variant Classification Scheme 2023. Collection method: clinical testing. Allele origin: germline.

NM_000038.6(APC):c.2476T>C (p.Leu826=)

Gene: APC (APC regulator of Wnt signaling pathway; plus strand). Cytogenetic location: 5q22.2.
Variant type: single nucleotide variant.
Coding change: c.2476T>C on transcript NM_000038.6 (MANE Select); coding-DNA position 2476, T replaced by C.
Protein change: p.Leu826=; no amino-acid change (leucine 826 retained).
Molecular consequence: synonymous variant. On other transcripts: non-coding transcript variant (2).
Genome position (GRCh38, 1-based): chr5:112,838,070, T>C. VCF-style: chr5-112838070-T-C. GRCh37 (hg19) VCF-style: chr5-112173767-T-C.
Other names: c.2476T>C, p.Leu826= (NM_001127510.3, NM_001354895.2, NM_001407450.1); c.2422T>C, p.Leu808= (NM_001127511.3); c.2530T>C, p.Leu844= (NM_001354896.2, NM_001407447.1, NM_001407448.1 and 1 more transcripts); c.2506T>C, p.Leu836= (NM_001354897.2); c.2401T>C, p.Leu801= (NM_001354898.2); c.2392T>C, p.Leu798= (NM_001354899.2); c.2353T>C, p.Leu785= (NM_001354900.2); c.2299T>C, p.Leu767= (NM_001354901.2, NM_001407453.1); and 11 more.
Identifiers: ClinVar variation 2452730 (VCV002452730.4), dbSNP rs145245264, ClinGen allele CA445962784.